The following is an entry in ClinVar:

NM_001298.3(CNGA3):c.1749del (p.Leu584fs)

Gene: CNGA3 (cyclic nucleotide gated channel subunit alpha 3; plus strand). Cytogenetic location: 2q11.2.
Variant type: Deletion.
Coding change: c.1749del on transcript NM_001298.3 (MANE Select); coding-DNA position 1749, one base deleted (T; older notation c.1749delT).
Protein change: p.Leu584fs; shifts the reading frame from leucine 584.
Molecular consequence: frameshift variant.
Genome position (GRCh38, 1-based): chr2:98,396,919, T deleted. VCF-style (leftmost placement, unchanged base first): chr2-98396918-AT-A. GRCh37 (hg19) VCF-style: chr2-99013381-AT-A.
Other names: c.1695del, p.Leu566fs (NM_001079878.2); short protein forms L566fs, L584fs.
Identifiers: ClinVar variation 1301856 (VCV001301856.7), dbSNP rs2104250161, ClinGen allele CA2573052042.
Genomic context (GRCh38, chr2:98,396,918, plus strand): 5'-GCAGGACGGCCAACATCCGCAGCATTGGCTACTCAGACCTGTTCTGCCTCTCAAAGGACG[AT>A]CTCATGGAGGCCCTCACCGAGTACCCCGAAGCCAAGAAGGCCCTGGAGGAGAAAGGACGG-3'

ClinVar aggregate classification (germline): Pathogenic. Review status: criteria provided, multiple submitters, no conflicts (2 of 4 stars). 3 submissions from 3 submitters: Pathogenic (2). 1 of the submissions does not count toward it. Last evaluated 2022-07-15.

Conditions:
Retinal dystrophy. Also called: Inherited retinal dystrophy. Identifiers: Orphanet 71862, MedGen C0854723, MeSH D058499, MONDO:0019118, HP:0000556.
Achromatopsia. Also called: Rod monochromatism. Identifiers: Orphanet 49382, MedGen C0152200, MONDO:0018852, HP:0011516.

Submissions (3):

Labcorp Genetics (formerly Invitae), Labcorp
Classification: Pathogenic. Last evaluated: 2022-07-15. Review status: criteria provided, single submitter. Criteria: Invitae Variant Classification Sherloc (09022015). Collection method: clinical testing. Allele origin: germline.
Comment: For these reasons, this variant has been classified as Pathogenic. This variant disrupts a region of the CNGA3 protein in which other variant(s) (p.Arg661His) have been determined to be pathogenic (PMID: 32913385; Invitae). This suggests that this is a clinically significant region of the protein, and that variants that disrupt it are likely to be disease-causing. ClinVar contains an entry for this variant (Variation ID: 1301856). This variant has not been reported in the literature in individuals affected with CNGA3-related conditions. This variant is not present in population databases (gnomAD no frequency). This sequence change creates a premature translational stop signal (p.Leu584Serfs*23) in the CNGA3 gene. While this is not anticipated to result in nonsense mediated decay, it is expected to disrupt the last 111 amino acid(s) of the CNGA3 protein.

Institute of Medical Genetics and Applied Genomics, University Hospital Tübingen
Classification: Pathogenic for Achromatopsia. Last evaluated: 2021-10-28. Review status: criteria provided, single submitter. Criteria: ACMG Guidelines, 2015. Collection method: clinical testing. Allele origin: germline. Inheritance: Autosomal recessive inheritance. Affected: yes.
Comment: in combination with c.848G>A, p.Arg283Gln

Institute of Human Genetics, Univ. Regensburg, Univ. Regensburg
Classification: Pathogenic for Retinal dystrophy. Last evaluated: 2020-01-01. Review status: no assertion criteria provided. Criteria: ACMG Guidelines, 2015. Collection method: clinical testing. Allele origin: germline. Affected: yes. Not counted in ClinVar's aggregate classification.

Literature cited by the submitters: PubMed 32913385 (cited by Labcorp Genetics (formerly Invitae), Labcorp).